The following is an entry in ClinVar:

ClinVar aggregate classification (germline): Benign/Likely benign. Review status: criteria provided, multiple submitters, no conflicts (2 of 4 stars). 5 submissions from 5 submitters: Benign (1); Likely benign (1). 3 of the submissions do not count toward it. Last evaluated 2025-12-26.

Conditions:
VCAN-related disorder. Also called: VCAN-related condition.

Allele frequency attached by ClinVar (database versions not stated): gnomAD exomes 0.00015 and 0.00042; ExAC 0.00052; gnomAD 0.00118 and 0.00127; ESP Exome Variant Server 0.00123; TOPMed 0.00153; 1000 Genomes Project 30x 0.00172; 1000 Genomes Project 0.00180.
gnomAD v4.1: 399 of 1,613,360 alleles (0.025%); highest among the groups gnomAD compares: African/African-American, 0.48%; 2 homozygotes.

Submissions (5):

Labcorp Genetics (formerly Invitae), Labcorp
Classification: Benign. Last evaluated: 2025-12-26. Review status: criteria provided, single submitter. Criteria: Invitae Variant Classification Sherloc (09022015). Collection method: clinical testing. Allele origin: germline.

Blueprint Genetics
Classification: Likely benign. Last evaluated: 2024-08-30. Review status: criteria provided, single submitter. Criteria: ACMG Guidelines, 2015. Collection method: clinical testing. Allele origin: germline.

PreventionGenetics, part of Exact Sciences
Classification: Benign for VCAN-related condition. Last evaluated: 2019-06-03. Review status: no assertion criteria provided. Collection method: clinical testing. Allele origin: germline. Not counted in ClinVar's aggregate classification.
Comment: This variant is classified as benign based on ACMG/AMP sequence variant interpretation guidelines (Richards et al. 2015 PMID: 25741868, with internal and published modifications).

Clinical Genetics DNA and cytogenetics Diagnostics Lab, Erasmus MC, Erasmus Medical Center
Classification: Likely benign. Review status: no assertion criteria provided. Collection method: clinical testing. Allele origin: germline. Affected: yes. Study: VKGL Data-share Consensus. Not counted in ClinVar's aggregate classification.

Clinical Genetics, Academic Medical Center
Classification: Benign. Review status: no assertion criteria provided. Collection method: clinical testing. Allele origin: germline. Affected: yes. Study: VKGL Data-share Consensus. Not counted in ClinVar's aggregate classification.

NM_004385.5(VCAN):c.2028A>G (p.Leu676=)

Gene: VCAN (versican; plus strand). Cytogenetic location: 5q14.3.
Variant type: single nucleotide variant.
Coding change: c.2028A>G on transcript NM_004385.5 (MANE Select); coding-DNA position 2028, A replaced by G.
Protein change: p.Leu676=; no amino-acid change (leucine 676 retained).
Molecular consequence: synonymous variant. On other transcripts: intron variant (2).
Genome position (GRCh38, 1-based): chr5:83,520,334, A>G. VCF-style: chr5-83520334-A-G. GRCh37 (hg19) VCF-style: chr5-82816153-A-G.
Other names: c.2028A>G, p.Leu676= (NM_001164098.2); c.1042+7938A>G (NM_001164097.2, NM_001126336.3); c.2028A>G (NM_004385.4).
Identifiers: ClinVar variation 1167699 (VCV001167699.15), dbSNP rs147286274, ClinGen allele CA3332770.